The following is an entry in ClinVar:

ClinVar aggregate classification (germline): Uncertain significance (1 of 4 stars; one submission).

Submission:

Labcorp Genetics (formerly Invitae), Labcorp
Classification: Uncertain significance. Last evaluated: 2025-01-06. Review status: criteria provided, single submitter. Criteria: Invitae Variant Classification Sherloc (09022015). Collection method: clinical testing. Allele origin: germline.
Comment: This sequence change replaces valine, which is neutral and non-polar, with isoleucine, which is neutral and non-polar, at codon 1153 of the SUCO protein (p.Val1153Ile). This variant is not present in population databases (gnomAD no frequency). This variant has not been reported in the literature in individuals affected with SUCO-related conditions. ClinVar contains an entry for this variant (Variation ID: 2772521). An algorithm developed to predict the effect of missense changes on protein structure and function (PolyPhen-2) suggests that this variant is likely to be disruptive. In summary, the available evidence is currently insufficient to determine the role of this variant in disease. Therefore, it has been classified as a Variant of Uncertain Significance.

NM_014283.5(SUCO):c.3457G>A (p.Val1153Ile)

Gene: SUCO (SUN domain containing ossification factor; plus strand). Cytogenetic location: 1q24.3.
Variant type: single nucleotide variant.
Coding change: c.3457G>A on transcript NM_014283.5 (MANE Select); coding-DNA position 3457, G replaced by A.
Protein change: p.Val1153Ile; replaces valine 1153 with isoleucine.
Molecular consequence: missense variant.
Genome position (GRCh38, 1-based): chr1:172,609,951, G>A. VCF-style: chr1-172609951-G-A. GRCh37 (hg19) VCF-style: chr1-172579091-G-A.
Other names: c.2344G>A, p.Val782Ile (NM_001282750.2); c.1768G>A, p.Val590Ile (NM_001282751.2); c.3910G>A, p.Val1304Ile (NM_016227.4); short protein forms V1153I, V1304I, V590I, V782I.
Identifiers: ClinVar variation 2772521 (VCV002772521.3), dbSNP rs2527516714, ClinGen allele CA343752722.